The following is an entry in ClinVar:

NM_003242.6(TGFBR2):c.1128G>A (p.Val376=)

Gene: TGFBR2 (transforming growth factor beta receptor 2; plus strand). Cytogenetic location: 3p24.1.
Variant type: single nucleotide variant.
Coding change: c.1128G>A on transcript NM_003242.6 (MANE Select); coding-DNA position 1128, G replaced by A.
Protein change: p.Val376=; no amino-acid change (valine 376 retained).
Molecular consequence: synonymous variant. On other transcripts: intron variant (1).
Genome position (GRCh38, 1-based): chr3:30,672,311, G>A. VCF-style: chr3-30672311-G-A. GRCh37 (hg19) VCF-style: chr3-30713803-G-A.
Other names: c.1203G>A, p.Val401= (NM_001024847.3); c.1311G>A, p.Val437= (NM_001407126.1); c.1236G>A, p.Val412= (NM_001407127.1); c.1155G>A, p.Val385= (NM_001407128.1); c.1131G>A, p.Val377= (NM_001407129.1); c.1128G>A, p.Val376= (NM_001407130.1); c.1023G>A, p.Val341= (NM_001407132.1, NM_001407133.1, NM_001407134.1 and 2 more transcripts); c.843G>A, p.Val281= (NM_001407137.1); and 2 more.
Identifiers: ClinVar variation 391050 (VCV000391050.10), dbSNP rs1057523953, ClinGen allele CA16604405.

ClinVar aggregate classification (germline): Likely benign. Review status: criteria provided, multiple submitters, no conflicts (2 of 4 stars). 3 submissions from 3 submitters: Likely benign (3). Last evaluated 2026-03-28.

Conditions:
Familial thoracic aortic aneurysm and aortic dissection (TAAD). Also called: Thoracic aortic aneurysms and dissections. Identifiers: Orphanet 91387, MedGen C4707243, MONDO:0019625.

Allele frequency attached by ClinVar (database versions not stated): gnomAD exomes below 0.00001.
gnomAD v4.1: 1 of 1,610,902 alleles (0.000062%); highest among the groups gnomAD compares: Non-Finnish European, 0.000085%; no homozygotes.

Submissions (3):

Ambry Genetics
Classification: Likely benign for Familial thoracic aortic aneurysm and aortic dissection. Last evaluated: 2026-03-28. Review status: criteria provided, single submitter. Criteria: Ambry Variant Classification Scheme 2023. Collection method: clinical testing. Allele origin: germline.

Labcorp Genetics (formerly Invitae), Labcorp
Classification: Likely benign for Familial thoracic aortic aneurysm and aortic dissection. Last evaluated: 2025-03-05. Review status: criteria provided, single submitter. Criteria: Invitae Variant Classification Sherloc (09022015). Collection method: clinical testing. Allele origin: germline.

GeneDx
Classification: Likely benign. Last evaluated: 2016-11-22. Review status: criteria provided, single submitter. Criteria: GeneDx Variant Classification (06012015). Collection method: clinical testing. Allele origin: germline. Affected: yes.
Comment: This variant is considered likely benign or benign based on one or more of the following criteria: it is a conservative change, it occurs at a poorly conserved position in the protein, it is predicted to be benign by multiple in silico algorithms, and/or has population frequency not consistent with disease.